The following is an entry in ClinVar:

ClinVar aggregate classification (germline): Likely benign. Review status: criteria provided, multiple submitters, no conflicts (2 of 4 stars). 4 submissions from 4 submitters: Likely benign (3). 1 of the submissions does not count toward it. Last evaluated 2026-09-01.

Conditions:
CAMTA1-related disorder. Also called: CAMTA1-related condition.

Allele frequency attached by ClinVar (database versions not stated): gnomAD 0.00046 and 0.00049; TOPMed 0.00048; gnomAD exomes 0.00063 and 0.00073; ExAC 0.00068; 1000 Genomes Project 0.00080; 1000 Genomes Project 30x 0.00094; ESP Exome Variant Server 0.00100.
gnomAD v4.1: 1,156 of 1,604,698 alleles (0.072%); highest among the groups gnomAD compares: Non-Finnish European, 0.088%; 2 homozygotes.

Submissions (4):

CeGaT Center for Human Genetics Tuebingen
Classification: Likely benign. Last evaluated: 2026-09-01. Review status: criteria provided, single submitter. Criteria: CeGaT Center For Human Genetics Tuebingen Variant Classification Criteria Version 2. Collection method: clinical testing. Allele origin: germline. Affected: yes. Observed: 7 variant alleles.
Comment: CAMTA1: BS1

Labcorp Genetics (formerly Invitae), Labcorp
Classification: Likely benign. Last evaluated: 2025-10-04. Review status: criteria provided, single submitter. Criteria: Invitae Variant Classification Sherloc (09022015). Collection method: clinical testing. Allele origin: germline.

Blueprint Genetics
Classification: Likely benign. Last evaluated: 2024-11-19. Review status: criteria provided, single submitter. Criteria: ACMG Guidelines, 2015. Collection method: clinical testing. Allele origin: germline.

PreventionGenetics, part of Exact Sciences
Classification: Likely benign for CAMTA1-related condition. Last evaluated: 2022-09-08. Review status: no assertion criteria provided. Collection method: clinical testing. Allele origin: germline. Not counted in ClinVar's aggregate classification.
Comment: This variant is classified as likely benign based on ACMG/AMP sequence variant interpretation guidelines (Richards et al. 2015 PMID: 25741868, with internal and published modifications).

NM_015215.4(CAMTA1):c.2120C>G (p.Ser707Cys)

Gene: CAMTA1 (calmodulin binding transcription activator 1; plus strand). Cytogenetic location: 1p36.23.
Variant type: single nucleotide variant.
Coding change: c.2120C>G on transcript NM_015215.4 (MANE Select); coding-DNA position 2120, C replaced by G.
Protein change: p.Ser707Cys; replaces serine 707 with cysteine.
Molecular consequence: missense variant.
Genome position (GRCh38, 1-based): chr1:7,664,667, C>G. VCF-style: chr1-7664667-C-G. GRCh37 (hg19) VCF-style: chr1-7724727-C-G.
Other names: c.2030C>G, p.Ser677Cys (NM_001349608.2, NM_001349612.2); c.2120C>G, p.Ser707Cys (NM_001349609.2, NM_001349610.2); short protein forms S707C, S677C.
Identifiers: ClinVar variation 724543 (VCV000724543.37), dbSNP rs141259598, ClinGen allele CA566571.